The following is an entry in ClinVar:

NM_003413.4(ZIC3):c.*1362T>G

Gene: ZIC3 (Zic family zinc finger 3; plus strand). Cytogenetic location: Xq26.3.
Variant type: single nucleotide variant.
Coding change: c.*1362T>G on transcript NM_003413.4 (MANE Select); 1362 bases downstream of the stop codon, T replaced by G.
Molecular consequence: 3 prime UTR variant. On other transcripts: intron variant (1).
Genome position (GRCh38, 1-based): chrX:137,571,432, T>G. VCF-style: chrX-137571432-T-G. GRCh37 (hg19) VCF-style: chrX-136653591-T-G.
Other names: c.1224+2367T>G (NM_001330661.1).
Identifiers: ClinVar variation 913013 (VCV000913013.28), dbSNP rs775549541, ClinGen allele CA336369536.
Genomic context (GRCh38, chrX:137,571,432, plus strand): 5'-CTATCTATATATTTTCAAAAGATAGCTTATGTCTAAAACAGTGGTGATGAGTAAGGCCAG[T>G]TGAGCATTGCTTACTTATGGTTAAAGTGCTTCTTAAAAGAACCATAGTCCATTTACAATT-3'

ClinVar aggregate classification (germline): Conflicting classifications of pathogenicity. Review status: criteria provided, conflicting classifications (1 of 4 stars). 3 submissions from 2 submitters: Uncertain significance (2); Likely benign (1). Last evaluated 2022-12-01.

Conditions:
Heterotaxy, visceral, 1, X-linked (HTX1). Also called: Laterality, X-linked; Visceral heterotaxia; DEXTROCARDIA WITH OTHER CARDIAC MALFORMATIONS; SITUS INVERSUS, COMPLEX CARDIAC DEFECTS, AND SPLENIC DEFECTS, X-LINKED. Identifiers: Orphanet 450, MedGen C1844020, MONDO:0010607, OMIM 306955.
VACTERL association, X-linked, with or without hydrocephalus (VACTERLX). Also called: VACTERL Association with Hydrocephalus, X-linked; X-linked VACTERL-H syndrome; VACTERL ASSOCIATION, X-LINKED; VACTERL-H, X-LINKED. Identifiers: Orphanet 3412, MedGen C2931228, MONDO:0010752, OMIM 314390.

Allele frequency attached by ClinVar (database versions not stated): TOPMed 0.00014; gnomAD 0.00015.

Submissions (3):

CeGaT Center for Human Genetics Tuebingen
Classification: Likely benign. Last evaluated: 2022-12-01. Review status: criteria provided, single submitter. Criteria: CeGaT Center For Human Genetics Tuebingen Variant Classification Criteria Version 2. Collection method: clinical testing. Allele origin: germline. Affected: yes. Observed: 1 variant allele.
Comment: ZIC3: BS2

Illumina Laboratory Services, Illumina
Classification: Uncertain significance for Heterotaxy, visceral, 1, X-linked. Last evaluated: 2017-04-28. Review status: criteria provided, single submitter. Criteria: ICSL Variant Classification Criteria 13 December 2019. Collection method: clinical testing. Allele origin: germline.

Illumina Laboratory Services, Illumina
Classification: Uncertain significance for VACTERL association, X-linked, with or without hydrocephalus. Last evaluated: 2017-04-28. Review status: criteria provided, single submitter. Criteria: ICSL Variant Classification Criteria 13 December 2019. Collection method: clinical testing. Allele origin: germline.